The following is an entry in ClinVar:

ClinVar aggregate classification (germline): Uncertain significance (1 of 4 stars; one submission).

Conditions:
Bethlem myopathy 1A. Also called: Bethlem Muscular Dystrophy; MYOPATHY, BENIGN CONGENITAL, WITH CONTRACTURES; Bethlem myopathy 1. Identifiers: Orphanet 610, MedGen CN029274, MONDO:0024530, OMIM 158810.

Allele frequency attached by ClinVar (database versions not stated): ExAC 0.00001.

Submission:

Labcorp Genetics (formerly Invitae), Labcorp
Classification: Uncertain significance for Bethlem myopathy 1A. Last evaluated: 2022-06-25. Review status: criteria provided, single submitter. Criteria: Invitae Variant Classification Sherloc (09022015). Collection method: clinical testing. Allele origin: germline.
Comment: This sequence change replaces aspartic acid, which is acidic and polar, with glycine, which is neutral and non-polar, at codon 2617 of the COL6A3 protein (p.Asp2617Gly). This variant is not present in population databases (gnomAD no frequency). This variant has not been reported in the literature in individuals affected with COL6A3-related conditions. Advanced modeling of protein sequence and biophysical properties (such as structural, functional, and spatial information, amino acid conservation, physicochemical variation, residue mobility, and thermodynamic stability) performed at Invitae indicates that this missense variant is not expected to disrupt COL6A3 protein function. In summary, the available evidence is currently insufficient to determine the role of this variant in disease. Therefore, it has been classified as a Variant of Uncertain Significance.

NM_004369.4(COL6A3):c.7850A>G (p.Asp2617Gly)

Gene: COL6A3 (collagen type VI alpha 3 chain; minus strand). Cytogenetic location: 2q37.3.
Variant type: single nucleotide variant.
Coding change: c.7850A>G on transcript NM_004369.4 (MANE Select); coding-DNA position 7850, A replaced by G.
Protein change: p.Asp2617Gly; replaces aspartic acid 2617 with glycine.
Molecular consequence: missense variant.
Genome position (GRCh38, 1-based): chr2:237,341,066, T>C on the plus strand (A>G on the coding strand, the complement: COL6A3 is on the minus strand). VCF-style: chr2-237341066-T-C. GRCh37 (hg19) VCF-style: chr2-238249709-T-C.
Other names: c.6029A>G, p.Asp2010Gly (NM_057166.5); c.7232A>G, p.Asp2411Gly (NM_057167.4); short protein forms D2010G, D2617G, D2411G.
Identifiers: ClinVar variation 2180920 (VCV002180920.4), dbSNP rs753981395, ClinGen allele CA2187678.